The following is an entry in ClinVar:

NM_022893.4(BCL11A):c.1846_1847delinsA (p.Gly616fs)

Gene: BCL11A (BCL11 transcription factor A; minus strand). Cytogenetic location: 2p16.1.
Variant type: Indel.
Coding change: c.1846_1847delinsA on transcript NM_022893.4 (MANE Select); coding-DNA positions 1846 to 1847, GG replaced by A.
Protein change: p.Gly616fs; shifts the reading frame from glycine 616.
Molecular consequence: frameshift variant. On other transcripts: intron variant (1).
Genome position (GRCh38, 1-based): chr2:60,461,065-60,461,066, CC replaced by T on the plus strand (GG replaced by A on the coding strand, the reverse complement: BCL11A is on the minus strand). VCF-style: chr2-60461065-CC-T. GRCh37 (hg19) VCF-style: chr2-60688200-CC-T.
Other names: c.1744_1745delinsA, p.Gly582fs (NM_001363864.1, NM_001365609.1); c.1846_1847delinsA, p.Gly616fs (NM_018014.4); c.630+1216_630+1217delinsA (NM_138559.2); short protein forms G582fs, G616fs.
Identifiers: ClinVar variation 1342337 (VCV001342337.1), dbSNP rs2103830741, ClinGen allele CA2573051998.
Genomic context (GRCh38, chr2:60,461,065, plus strand): 5'-ATGCGCTTAGAGAAGGGGCTCAGCGAGCTGGGGCTGCCCAGCAGCAGCTTTTTGGACAGG[CC>T]CCCCGAGGCCGACTCGCCCGGGGAGCAGCCGCGGCCATTAACAGTGCCATCGTCTATGCG-3'

ClinVar aggregate classification (germline): Pathogenic (1 of 4 stars; one submission).

Conditions:
Dias-Logan syndrome. Also called: INTELLECTUAL DEVELOPMENTAL DISORDER WITH HEREDITARY PERSISTENCE OF FETAL HEMOGLOBIN; Intellectual developmental disorder with persistence of fetal hemoglobin. Identifiers: Orphanet 619233, MedGen C4310833, MONDO:0014914, OMIM 617101.

Submission:

New York Genome Center
Classification: Pathogenic for Dias-Logan syndrome. Last evaluated: 2021-03-08. Review status: criteria provided, single submitter. Criteria: NYGC Assertion Criteria 2020. Collection method: clinical testing. Allele origin: de novo. Affected: yes. Observed: 1 heterozygote. Study: CSER-NYCKidSeq.
Comment: The de novo c.1846_1847delinsA, p.Gly616Thrfs*14 frameshift heterozygous variant identified in BCL11A has not been reported in the literature. This variant is not reported in the gnomAD database, indicating this is a rare allele and might cause loss of normal protein function through protein truncation or nonsense-mediated mRNA decay [PMID:18000842]. A downstream frameshift variant c.2035_2037delinsC, p.Ser679GlnfsTer47 has been reported in a patient with Dias-Logan syndrome [PMID: 27453576]. Based on the available evidence, the variant c.1846_1847delinsA, p.Gly616Thrfs*14 in the BCL11A gene is classified as pathogenic.